The following is an entry in ClinVar:

NM_000439.5(PCSK1):c.349G>C (p.Ala117Pro)

Genes: CAST (calpastatin; plus strand), PCSK1 (proprotein convertase subtilisin/kexin type 1; minus strand), LOC101929710 (uncharacterized LOC101929710; plus strand). Cytogenetic location: 5q15.
Variant type: single nucleotide variant.
Coding change: c.349G>C on transcript NM_000439.5 (MANE Select); coding-DNA position 349, G replaced by C.
Protein change: p.Ala117Pro; replaces alanine 117 with proline.
Molecular consequence: missense variant. On other transcripts: intron variant (11).
Genome position (GRCh38, 1-based): chr5:96,425,867, C>G on the plus strand (G>C on the coding strand, the complement: PCSK1 is on the minus strand). VCF-style: chr5-96425867-C-G. GRCh37 (hg19) VCF-style: chr5-95761571-C-G.
Other names: c.208G>C, p.Ala70Pro (NM_001177875.2); c.-175+46215C>G (NM_001423254.1, NM_001423259.1, NM_001423255.1 and 6 more transcripts); c.-103+46215C>G (NM_001423253.1); c.-40+46215C>G (NM_001423258.1); short protein forms A70P, A117P.
Identifiers: ClinVar variation 4995675 (VCV004995675.1).

ClinVar aggregate classification (germline): Uncertain significance (1 of 4 stars; one submission).

Conditions:
PCSK1-related disorder. Also called: PCSK1-related condition.

Submission:

PreventionGenetics, part of Exact Sciences
Classification: Uncertain significance for PCSK1-related condition. Last evaluated: 2025-08-26. Review status: criteria provided, single submitter. Criteria: ACMG Guidelines, 2015. Collection method: clinical testing. Allele origin: germline.
Comment: The PCSK1 c.349G>C variant is predicted to result in the amino acid substitution p.Ala117Pro. To our knowledge, this variant has not been reported in the literature or in a large population database (gnomAD), indicating this variant is rare. At this time, the clinical significance of this variant is uncertain due to the absence of conclusive functional and genetic evidence.